The following is an entry in ClinVar:

NM_052867.4(NALCN):c.4920G>A (p.Gln1640=)

Genes: NALCN (sodium leak channel, non-selective; minus strand), NALCN-AS1 (NALCN antisense RNA 1; plus strand). Cytogenetic location: 13q32.3.
Variant type: single nucleotide variant.
Coding change: c.4920G>A on transcript NM_052867.4 (MANE Select); coding-DNA position 4920, G replaced by A.
Protein change: p.Gln1640=; no amino-acid change (glutamine 1640 retained).
Molecular consequence: synonymous variant. On other transcripts: non-coding transcript variant (1).
Genome position (GRCh38, 1-based): chr13:101,058,042, C>T on the plus strand (G>A on the coding strand, the complement: NALCN is on the minus strand). VCF-style: chr13-101058042-C-T. GRCh37 (hg19) VCF-style: chr13-101710394-C-T.
Other names: c.5007G>A, p.Gln1669= (NM_001350748.2); c.4920G>A, p.Gln1640= (NM_001350749.2); c.4833G>A, p.Gln1611= (NM_001350750.2, NM_001350751.2).
Identifiers: ClinVar variation 2732327 (VCV002732327.5), dbSNP rs891845505, ClinGen allele CA255391812.

ClinVar aggregate classification (germline): Likely benign. Review status: criteria provided, multiple submitters, no conflicts (2 of 4 stars). 3 submissions from 3 submitters: Likely benign (3). Last evaluated 2025-11-17.

Allele frequency attached by ClinVar (database versions not stated): gnomAD exomes 0.00001; gnomAD 0.00006; TOPMed 0.00008.
gnomAD v4.1: 17 of 1,612,698 alleles (0.0011%); highest among the groups gnomAD compares: African/African-American, 0.023%; no homozygotes.

Submissions (3):

Labcorp Genetics (formerly Invitae), Labcorp
Classification: Likely benign. Last evaluated: 2025-11-17. Review status: criteria provided, single submitter. Criteria: Invitae Variant Classification Sherloc (09022015). Collection method: clinical testing. Allele origin: germline.

Women's Health and Genetics/Laboratory Corporation of America, LabCorp
Classification: Likely benign. Last evaluated: 2024-07-08. Review status: criteria provided, single submitter. Criteria: LabCorp Variant Classification Summary - May 2015. Collection method: clinical testing. Allele origin: germline.
Comment: Variant summary: NALCN c.4920G>A alters a conserved nucleotide resulting in a synonymous change. Consensus agreement among computation tools predict no significant impact on normal splicing. However, these predictions have yet to be confirmed by functional studies. The variant allele was found at a frequency of 4e-06 in 250034 control chromosomes. The available data on variant occurrences in the general population are insufficient to allow any conclusion about variant significance. To our knowledge, no occurrence of c.4920G>A in individuals affected with Congenital Contractures Of The Limbs And Face, Hypotonia, And Developmental Delay and no experimental evidence demonstrating its impact on protein function have been reported. ClinVar contains an entry for this variant (Variation ID: 2732327). Based on the evidence outlined above, the variant was classified as likely benign.

Blueprint Genetics
Classification: Likely benign. Last evaluated: 2024-06-11. Review status: criteria provided, single submitter. Criteria: ACMG Guidelines, 2015. Collection method: clinical testing. Allele origin: germline.